The following is an entry in ClinVar:

ClinVar aggregate classification (germline): Uncertain significance. Review status: criteria provided, multiple submitters, no conflicts (2 of 4 stars). 2 submissions from 2 submitters: Uncertain significance (2). Last evaluated 2025-09-13.

Allele frequency attached by ClinVar (database versions not stated): gnomAD 0.00001; ExAC 0.00002; gnomAD exomes 0.00002; TOPMed 0.00002.
gnomAD v4.1: 23 of 1,614,102 alleles (0.0014%); highest among the groups gnomAD compares: South Asian, 0.011%; no homozygotes.

Submissions (2):

Labcorp Genetics (formerly Invitae), Labcorp
Classification: Uncertain significance. Last evaluated: 2025-09-13. Review status: criteria provided, single submitter. Criteria: Invitae Variant Classification Sherloc (09022015). Collection method: clinical testing. Allele origin: germline.
Comment: This sequence change replaces arginine, which is basic and polar, with histidine, which is basic and polar, at codon 723 of the SEMA4A protein (p.Arg723His). This variant is present in population databases (rs758417711, gnomAD 0.01%). This variant has not been reported in the literature in individuals affected with SEMA4A-related conditions. ClinVar contains an entry for this variant (Variation ID: 836964). An algorithm developed to predict the effect of missense changes on protein structure and function (PolyPhen-2) suggests that this variant is likely to be tolerated. In summary, the available evidence is currently insufficient to determine the role of this variant in disease. Therefore, it has been classified as a Variant of Uncertain Significance.

Ambry Genetics
Classification: Uncertain significance. Last evaluated: 2025-01-04. Review status: criteria provided, single submitter. Criteria: Ambry Variant Classification Scheme 2023. Collection method: clinical testing. Allele origin: germline.

NM_022367.4(SEMA4A):c.2168G>A (p.Arg723His)

Gene: SEMA4A (semaphorin 4A; plus strand). Cytogenetic location: 1q22.
Variant type: single nucleotide variant.
Coding change: c.2168G>A on transcript NM_022367.4 (MANE Select); coding-DNA position 2168, G replaced by A.
Protein change: p.Arg723His; replaces arginine 723 with histidine.
Molecular consequence: missense variant.
Genome position (GRCh38, 1-based): chr1:156,176,879, G>A. VCF-style: chr1-156176879-G-A. GRCh37 (hg19) VCF-style: chr1-156146670-G-A.
Other names: c.2168G>A, p.Arg723His (NM_001193300.2, NM_001193301.2, NM_001370567.1); c.1772G>A, p.Arg591His (NM_001193302.2); c.1871G>A, p.Arg624His (NM_001370568.1); c.1661G>A, p.Arg554His (NM_001370569.1, NM_001370571.1); short protein forms R554H, R591H, R624H, R723H.
Identifiers: ClinVar variation 836964 (VCV000836964.12), dbSNP rs758417711, ClinGen allele CA1155542.
Genomic context (GRCh38, chr1:156,176,879, plus strand): 5'-TGGCCTCCCCATTGAGAGCACTCCGGGCTCGGGGCAAGGTTCAGGGCTGTGAGACCCTGC[G>A]CCCTGGGGAGAAGGCCCCGTTAAGCAGAGAGCAACACCTCCAGTCTCCCAAGGAATGCAG-3'
Protein context (NP_071762.2, residues 713-733): RGKVQGCETL[Arg723His]PGEKAPLSRE